The following is an entry in ClinVar:

NM_002693.3(POLG):c.3713G>C (p.Gly1238Ala)

Genes: FANCI (FA complementation group I; plus strand), POLG (DNA polymerase gamma, catalytic subunit; minus strand). Cytogenetic location: 15q26.1.
Variant type: single nucleotide variant.
Coding change: c.3713G>C on transcript NM_002693.3 (MANE Select); coding-DNA position 3713, G replaced by C.
Protein change: p.Gly1238Ala; replaces glycine 1238 with alanine.
Molecular consequence: missense variant. On other transcripts: 3 prime UTR variant (4).
Genome position (GRCh38, 1-based): chr15:89,316,758, C>G on the plus strand (G>C on the coding strand, the complement: POLG is on the minus strand). VCF-style: chr15-89316758-C-G. GRCh37 (hg19) VCF-style: chr15-89859989-C-G.
Other names: c.3713G>C, p.Gly1238Ala (NM_001126131.2); c.*299C>G (NM_001113378.2, NM_001376910.1, NM_001376911.1 and 1 more transcripts); short protein forms G1238A.
Identifiers: ClinVar variation 2972711 (VCV002972711.3), dbSNP rs538450367, ClinGen allele CA274538369.

ClinVar aggregate classification (germline): Uncertain significance (1 of 4 stars; one submission).

Conditions:
Progressive sclerosing poliodystrophy (MTDPS4A). Also called: Mitochondrial DNA Depletion Syndrome 4A; ALPERS PROGRESSIVE INFANTILE POLIODYSTROPHY; NEURONAL DEGENERATION OF CHILDHOOD WITH LIVER DISEASE, PROGRESSIVE; Mitochondrial DNA depletion syndrome 4A (Alpers type); Alpers Syndrome; ALPERS DIFFUSE DEGENERATION OF CEREBRAL GRAY MATTER WITH HEPATIC CIRRHOSIS. Identifiers: Orphanet 726, MedGen C0205710, MONDO:0008758, OMIM 203700.

Submission:

Labcorp Genetics (formerly Invitae), Labcorp
Classification: Uncertain significance for Progressive sclerosing poliodystrophy. Last evaluated: 2025-09-06. Review status: criteria provided, single submitter. Criteria: Invitae Variant Classification Sherloc (09022015). Collection method: clinical testing. Allele origin: germline.
Comment: This sequence change replaces glycine, which is neutral and non-polar, with alanine, which is neutral and non-polar, at codon 1238 of the POLG protein (p.Gly1238Ala). This variant is not present in population databases (gnomAD no frequency). This variant has not been reported in the literature in individuals affected with POLG-related conditions. ClinVar contains an entry for this variant (Variation ID: 2972711). Invitae Evidence Modeling of protein sequence and biophysical properties (such as structural, functional, and spatial information, amino acid conservation, physicochemical variation, residue mobility, and thermodynamic stability) indicates that this missense variant is not expected to disrupt POLG protein function with a negative predictive value of 95%. In summary, the available evidence is currently insufficient to determine the role of this variant in disease. Therefore, it has been classified as a Variant of Uncertain Significance.